The following is an entry in ClinVar:

ClinVar aggregate classification (germline): Uncertain significance. Review status: criteria provided, multiple submitters, no conflicts (2 of 4 stars). 3 submissions from 3 submitters: Uncertain significance (3). Last evaluated 2026-07-07.

Conditions:
Tuberous sclerosis syndrome (TSC). Also called: Tuberous Sclerosis Complex; Tuberous sclerosis. Identifiers: Orphanet 805, MedGen C0041341, MONDO:0001734.
Tuberous sclerosis 2 (TSC2). Identifiers: Orphanet 805, MedGen C1860707, MONDO:0013199, OMIM 613254.
Hereditary cancer-predisposing syndrome. Also called: Hereditary Cancer Syndrome; Tumor predisposition; Neoplastic Syndromes, Hereditary; Hereditary neoplastic syndrome. Identifiers: Orphanet 140162, MedGen C0027672, MeSH D009386, MONDO:0015356.

gnomAD v4.1: 1 of 1,612,680 alleles (0.000062%); highest among the groups gnomAD compares: Non-Finnish European, 0.000085%; no homozygotes.

Submissions (3):

Ambry Genetics
Classification: Uncertain significance for Hereditary cancer-predisposing syndrome. Last evaluated: 2026-07-07. Review status: criteria provided, single submitter. Criteria: Ambry Variant Classification Scheme 2023. Collection method: clinical testing. Allele origin: germline.
Comment: The p.R1753P variant (also known as c.5258G>C), located in coding exon 40 of the TSC2 gene, results from a G to C substitution at nucleotide position 5258. The arginine at codon 1753 is replaced by proline, an amino acid with dissimilar properties. This amino acid position is conserved. In addition, this alteration is predicted to be deleterious by in silico analysis. Based on the available evidence, the clinical significance of this variant remains unclear.

Labcorp Genetics (formerly Invitae), Labcorp
Classification: Uncertain significance for Tuberous sclerosis 2. Last evaluated: 2025-04-28. Review status: criteria provided, single submitter. Criteria: Invitae Variant Classification Sherloc (09022015). Collection method: clinical testing. Allele origin: germline.
Comment: This sequence change replaces arginine, which is basic and polar, with proline, which is neutral and non-polar, at codon 1753 of the TSC2 protein (p.Arg1753Pro). This variant is present in population databases (no rsID available, gnomAD 0.0009%). This variant has not been reported in the literature in individuals affected with TSC2-related conditions. ClinVar contains an entry for this variant (Variation ID: 1505927). An algorithm developed to predict the effect of missense changes on protein structure and function (PolyPhen-2) suggests that this variant is likely to be disruptive. In summary, the available evidence is currently insufficient to determine the role of this variant in disease. Therefore, it has been classified as a Variant of Uncertain Significance.

All of Us Research Program, National Institutes of Health
Classification: Uncertain significance for Tuberous sclerosis syndrome. Last evaluated: 2023-04-03. Review status: criteria provided, single submitter. Criteria: ACMG Guidelines, 2015. Collection method: clinical testing. Allele origin: germline. Inheritance: Autosomal dominant inheritance. Observed: 1 variant allele, 1 heterozygote.
Comment: This missense variant replaces arginine with proline at codon 1753 of the TSC2 protein. Computational prediction suggests that this variant may have deleterious impact on protein structure and function (internally defined REVEL score threshold >= 0.7, PMID: 27666373). To our knowledge, functional studies have not been reported for this variant. This variant has not been reported in individuals affected with TSC2-related disorders in the literature. This variant has been identified in 1/249484 chromosomes in the general population by the Genome Aggregation Database (gnomAD). The available evidence is insufficient to determine the role of this variant in disease conclusively. Therefore, this variant is classified as a Variant of Uncertain Significance.

This study involves interpretation of variants in research participants for the purpose of population health screening. Participant phenotype was not available at the time of variant classification. Additional details can be found in publication PMID: 35346344, PMCID: PMC8962531

NM_000548.5(TSC2):c.5258G>C (p.Arg1753Pro)

Gene: TSC2 (TSC complex subunit 2; plus strand). Cytogenetic location: 16p13.3.
Variant type: single nucleotide variant.
Coding change: c.5258G>C on transcript NM_000548.5 (MANE Select); coding-DNA position 5258, G replaced by C.
Protein change: p.Arg1753Pro; replaces arginine 1753 with proline.
Molecular consequence: missense variant.
Genome position (GRCh38, 1-based): chr16:2,088,324, G>C. VCF-style: chr16-2088324-G-C. GRCh37 (hg19) VCF-style: chr16-2138325-G-C.
Other names: c.5129G>C, p.Arg1710Pro (NM_021055.3); c.5057G>C, p.Arg1686Pro (NM_001077183.3); c.5189G>C, p.Arg1730Pro (NM_001114382.3); c.4949G>C, p.Arg1650Pro (NM_001318827.2); c.4913G>C, p.Arg1638Pro (NM_001318829.2); c.4526G>C, p.Arg1509Pro (NM_001318831.2); c.5090G>C, p.Arg1697Pro (NM_001318832.2); c.5060G>C, p.Arg1687Pro (NM_001363528.2); and 3 more; short protein forms R1686P, R1687P, R1730P, R1753P, R1638P, R1697P, R1706P, R1709P.
Identifiers: ClinVar variation 1505927 (VCV001505927.8), dbSNP rs749487441, ClinGen allele CA394314815.